The following is an entry in ClinVar:

ClinVar aggregate classification (germline): Uncertain significance (1 of 4 stars; one submission).

Conditions:
Episodic ataxia type 2 (EA2). Also called: ATAXIA, EPISODIC, WITH NYSTAGMUS; ATAXIA, FAMILIAL PAROXYSMAL; CEREBELLAR ATAXIA, PAROXYSMAL, ACETAZOLAMIDE-RESPONSIVE; CEREBELLOPATHY, HEREDITARY PAROXYSMAL; ACETAZOLAMIDE-RESPONSIVE HEREDITARY PAROXYSMAL CEREBELLAR ATAXIA; EPISODIC ATAXIA, NYSTAGMUS-ASSOCIATED. Identifiers: Orphanet 97, MedGen C1720416, MONDO:0007163, OMIM 108500.
Developmental and epileptic encephalopathy, 42 (DEE42A). Also called: Epileptic encephalopathy, early infantile, 42; DEVELOPMENTAL AND EPILEPTIC ENCEPHALOPATHY 42A; EPILEPTIC ENCEPHALOPATHY, EARLY INFANTILE, 42A. Identifiers: MedGen C4310716, MONDO:0014917, OMIM 617106.

Allele frequency attached by ClinVar (database versions not stated): gnomAD exomes below 0.00001.
gnomAD v4.1: 1 of 1,565,960 alleles (0.000064%); highest among the groups gnomAD compares: Non-Finnish European, 0.000086%; no homozygotes.

Submission:

Labcorp Genetics (formerly Invitae), Labcorp
Classification: Uncertain significance for Developmental and epileptic encephalopathy, 42; Episodic ataxia type 2. Last evaluated: 2023-01-14. Review status: criteria provided, single submitter. Criteria: Invitae Variant Classification Sherloc (09022015). Collection method: clinical testing. Allele origin: germline.
Comment: This sequence change replaces glutamic acid, which is acidic and polar, with glutamine, which is neutral and polar, at codon 942 of the CACNA1A protein (p.Glu942Gln). In summary, the available evidence is currently insufficient to determine the role of this variant in disease. Therefore, it has been classified as a Variant of Uncertain Significance. Advanced modeling of protein sequence and biophysical properties (such as structural, functional, and spatial information, amino acid conservation, physicochemical variation, residue mobility, and thermodynamic stability) performed at Invitae indicates that this missense variant is not expected to disrupt CACNA1A protein function. This variant has not been reported in the literature in individuals affected with CACNA1A-related conditions. This variant is not present in population databases (gnomAD no frequency).

NM_001127222.2(CACNA1A):c.2821G>C (p.Glu941Gln)

Gene: CACNA1A (calcium voltage-gated channel subunit alpha1 A; minus strand). Cytogenetic location: 19p13.13.
Variant type: single nucleotide variant.
Coding change: c.2821G>C on transcript NM_001127222.2 (MANE Select); coding-DNA position 2821, G replaced by C.
Protein change: p.Glu941Gln; replaces glutamic acid 941 with glutamine.
Molecular consequence: missense variant.
Genome position (GRCh38, 1-based): chr19:13,298,812, C>G on the plus strand (G>C on the coding strand, the complement: CACNA1A is on the minus strand). VCF-style: chr19-13298812-C-G. GRCh37 (hg19) VCF-style: chr19-13409626-C-G.
Other names: c.2833G>C, p.Glu945Gln (NM_000068.4, NM_023035.3); c.2824G>C, p.Glu942Gln (NM_001127221.2, NM_001174080.2); short protein forms E942Q, E941Q, E945Q.
Identifiers: ClinVar variation 2035252 (VCV002035252.4), dbSNP rs2512906707, ClinGen allele CA404342651.